The following is an entry in ClinVar:

NM_001008537.3(NEXMIF):c.377T>C (p.Met126Thr)

Gene: NEXMIF (neurite extension and migration factor; minus strand). Cytogenetic location: Xq13.3.
Variant type: single nucleotide variant.
Coding change: c.377T>C on transcript NM_001008537.3 (MANE Select); coding-DNA position 377, T replaced by C.
Protein change: p.Met126Thr; replaces methionine 126 with threonine.
Molecular consequence: missense variant.
Genome position (GRCh38, 1-based): chrX:74,744,180, A>G on the plus strand (T>C on the coding strand, the complement: NEXMIF is on the minus strand). VCF-style: chrX-74744180-A-G. GRCh37 (hg19) VCF-style: chrX-73964015-A-G.
Other names: short protein forms M126T.
Identifiers: ClinVar variation 1701000 (VCV001701000.2), dbSNP rs2147441704, ClinGen allele CA413673634.

ClinVar aggregate classification (germline): Uncertain significance (1 of 4 stars; one submission).

Submission:

GeneDx
Classification: Uncertain significance. Last evaluated: 2022-02-15. Review status: criteria provided, single submitter. Criteria: GeneDx Variant Classification Process June 2021. Collection method: clinical testing. Allele origin: germline. Affected: yes.
Comment: Not observed at significant frequency in large population cohorts (gnomAD); In silico analysis supports that this missense variant does not alter protein structure/function; Has not been previously published as pathogenic or benign to our knowledge